The following is an entry in ClinVar:

ClinVar aggregate classification (germline): Uncertain significance (1 of 4 stars; one submission).

Allele frequency attached by ClinVar (database versions not stated): TOPMed below 0.00001; gnomAD 0.00001.

Submission:

Women's Health and Genetics/Laboratory Corporation of America, LabCorp
Classification: Uncertain significance. Last evaluated: 2023-12-13. Review status: criteria provided, single submitter. Criteria: LabCorp Variant Classification Summary - May 2015. Collection method: clinical testing. Allele origin: germline.
Comment: Variant summary: LIPN c.1112G>A (p.Trp371X) results in a premature termination codon, predicted to cause a truncation of the encoded protein or absence of the protein due to nonsense mediated decay, however the molecular mechanism of disease attributed to LIPN is gain-of-function. The variant was absent in 248426 control chromosomes. The available data on variant occurrences in the general population are insufficient to allow any conclusion about variant significance. To our knowledge, no occurrence of c.1112G>A in individuals affected with Lamellar Ichthyosis and no experimental evidence demonstrating its impact on protein function have been reported. No submitters have cited clinical-significance assessments for this variant to ClinVar after 2014. Based on the evidence outlined above, the variant was classified as uncertain significance.

NM_001102469.2(LIPN):c.1112G>A (p.Trp371Ter)

Gene: LIPN (lipase family member N; plus strand). Cytogenetic location: 10q23.31.
Variant type: single nucleotide variant.
Coding change: c.1112G>A on transcript NM_001102469.2 (MANE Select); coding-DNA position 1112, G replaced by A.
Protein change: p.Trp371Ter; replaces tryptophan 371 with a stop codon.
Molecular consequence: nonsense.
Genome position (GRCh38, 1-based): chr10:88,778,157, G>A. VCF-style: chr10-88778157-G-A. GRCh37 (hg19) VCF-style: chr10-90537914-G-A.
Other names: short protein forms W371*.
Identifiers: ClinVar variation 2691665 (VCV002691665.1), dbSNP rs1193521119, ClinGen allele CA377507115.